The following is an entry in ClinVar:

ClinVar aggregate classification (germline): Uncertain significance (1 of 4 stars; one submission).

Conditions:
Early-infantile DEE. Also called: Ohtahara syndrome; Early infantile epileptic encephalopathy; Early infantile epileptic encephalopathy with suppression bursts. Identifiers: Orphanet 1934, MedGen C0393706, MONDO:0800491.

Allele frequency attached by ClinVar (database versions not stated): gnomAD exomes below 0.00001.
gnomAD v4.1: 1 of 1,613,612 alleles (0.000062%); highest among the groups gnomAD compares: Non-Finnish European, 0.000085%; no homozygotes.

Submission:

Labcorp Genetics (formerly Invitae), Labcorp
Classification: Uncertain significance for Early-infantile DEE. Last evaluated: 2023-08-27. Review status: criteria provided, single submitter. Criteria: Invitae Variant Classification Sherloc (09022015). Collection method: clinical testing. Allele origin: germline.
Comment: In summary, the available evidence is currently insufficient to determine the role of this variant in disease. Therefore, it has been classified as a Variant of Uncertain Significance. Algorithms developed to predict the effect of missense changes on protein structure and function output the following: SIFT: "Not Available"; PolyPhen-2: "Benign"; Align-GVGD: "Not Available". The serine amino acid residue is found in multiple mammalian species, which suggests that this missense change does not adversely affect protein function. This variant has not been reported in the literature in individuals affected with ARHGEF15-related conditions. This variant is not present in population databases (gnomAD no frequency). This sequence change replaces threonine, which is neutral and polar, with serine, which is neutral and polar, at codon 615 of the ARHGEF15 protein (p.Thr615Ser).

NM_173728.4(ARHGEF15):c.1844C>G (p.Thr615Ser)

Gene: ARHGEF15 (Rho guanine nucleotide exchange factor 15; plus strand). Cytogenetic location: 17p13.1.
Variant type: single nucleotide variant.
Coding change: c.1844C>G on transcript NM_173728.4 (MANE Select); coding-DNA position 1844, C replaced by G.
Protein change: p.Thr615Ser; replaces threonine 615 with serine.
Molecular consequence: missense variant.
Genome position (GRCh38, 1-based): chr17:8,318,634, C>G. VCF-style: chr17-8318634-C-G. GRCh37 (hg19) VCF-style: chr17-8221952-C-G.
Other names: c.1844C>G, p.Thr615Ser (NM_025014.2); short protein forms T615S.
Identifiers: ClinVar variation 2755435 (VCV002755435.3), dbSNP rs2543946920, ClinGen allele CA398023142.
Genomic context (GRCh38, chr17:8,318,634, plus strand): 5'-TCGAGCGTTGCAGCGCTGAGGTGGGGCGCATGAAGCAGACTGAAGAGCTGATCCGGCTCA[C>G]CCAAAGGCTGCGCTTCCACAAAGTCAAGGTACATCGCTGCCCAGGCTCCCCATCTTGCCC-3'
Protein context (NP_776089.2, residues 605-625): MKQTEELIRL[Thr615Ser]QRLRFHKVKA